The following is an entry in ClinVar:

NM_001164508.2(NEB):c.18646T>C (p.Phe6216Leu)

Gene: NEB (nebulin; minus strand). Cytogenetic location: 2q23.3.
Variant type: single nucleotide variant.
Coding change: c.18646T>C on transcript NM_001164508.2 (MANE Select); coding-DNA position 18646, T replaced by C.
Protein change: p.Phe6216Leu; replaces phenylalanine 6216 with leucine.
Molecular consequence: missense variant.
Genome position (GRCh38, 1-based): chr2:151,563,653, A>G on the plus strand (T>C on the coding strand, the complement: NEB is on the minus strand). VCF-style: chr2-151563653-A-G. GRCh37 (hg19) VCF-style: chr2-152420167-A-G.
Other names: c.18646T>C, p.Phe6216Leu (NM_001164507.2, NM_001271208.2); c.13543T>C, p.Phe4515Leu (NM_004543.5); short protein forms F4515L, F6216L.
Identifiers: ClinVar variation 331454 (VCV000331454.23), dbSNP rs202211102, ClinGen allele CA1907898.
Genomic context (GRCh38, chr2:151,563,653, plus strand): 5'-GACATTTACTTACCGCACTCCTCATCTTTTGGAAATCCAGACAGTGAACCACACCAGGGA[A>G]TTCACCGATCACTTTTCCAGCCAGGTAGTGACCTTTCTGCTTCTCATATGTCTCTTTGTA-3'
Protein context (NP_001157980.2, residues 6206-6226): HYLAGKVIGE[Phe6216Leu]PGVVHCLDFQ

ClinVar aggregate classification (germline): Conflicting classifications of pathogenicity. Review status: criteria provided, conflicting classifications (1 of 4 stars). 8 submissions from 8 submitters: Uncertain significance (5); Benign (1). 2 of the submissions do not count toward it. Last evaluated 2026-02-04.

Conditions:
NEB-related disorder. Also called: NEB-Related Disorders; NEB-related condition.
Inborn genetic diseases. Identifiers: MedGen C0950123, MeSH D030342.
Nemaline myopathy 2 (NEM2). Also called: Nemaline myopathy 2, autosomal recessive. Identifiers: MedGen C1850569, MONDO:0009725, OMIM 256030.

Allele frequency attached by ClinVar (database versions not stated): ExAC 0.00012; gnomAD 0.00013 and 0.00014; gnomAD exomes 0.00014 and 0.00024; ESP Exome Variant Server 0.00016; TOPMed 0.00018.
gnomAD v4.1: 370 of 1,613,734 alleles (0.023%); highest among the groups gnomAD compares: Admixed American, 0.038%; no homozygotes.

Submissions (8):

Labcorp Genetics (formerly Invitae), Labcorp
Classification: Benign for Nemaline myopathy 2. Last evaluated: 2026-02-04. Review status: criteria provided, single submitter. Criteria: Invitae Variant Classification Sherloc (09022015). Collection method: clinical testing. Allele origin: germline.

GeneDx
Classification: Uncertain significance. Last evaluated: 2024-12-06. Review status: criteria provided, single submitter. Criteria: GeneDx Variant Classification Process June 2021. Collection method: clinical testing. Allele origin: germline. Affected: yes.
Comment: In silico analysis supports that this missense variant has a deleterious effect on protein structure/function; Has not been previously published as pathogenic or benign to our knowledge

Revvity Omics, Revvity
Classification: Uncertain significance. Last evaluated: 2024-09-23. Review status: criteria provided, single submitter. Criteria: ACMG Guidelines, 2015. Collection method: clinical testing. Allele origin: germline.

Blueprint Genetics
Classification: Uncertain significance. Last evaluated: 2022-05-09. Review status: criteria provided, single submitter. Criteria: ACMG Guidelines, 2015. Collection method: clinical testing. Allele origin: germline.

Ambry Genetics
Classification: Uncertain significance for Inborn genetic diseases. Last evaluated: 2021-10-06. Review status: criteria provided, single submitter. Criteria: Ambry Variant Classification Scheme 2023. Collection method: clinical testing. Allele origin: germline.

Illumina Laboratory Services, Illumina
Classification: Uncertain significance for Nemaline myopathy 2. Last evaluated: 2018-01-13. Review status: criteria provided, single submitter. Criteria: ICSL Variant Classification Criteria 13 December 2019. Collection method: clinical testing. Allele origin: germline.

PreventionGenetics, part of Exact Sciences
Classification: Uncertain significance for NEB-related condition. Last evaluated: 2024-03-31. Review status: no assertion criteria provided. Collection method: clinical testing. Allele origin: germline. Not counted in ClinVar's aggregate classification.
Comment: The NEB c.18646T>C variant is predicted to result in the amino acid substitution p.Phe6216Leu. To our knowledge, this variant has not been reported in the literature. This variant is reported in 0.045% of alleles in individuals of Latino descent in gnomAD. At this time, the clinical significance of this variant is uncertain due to the absence of conclusive functional and genetic evidence.

Natera, Inc.
Classification: Uncertain significance for Nemaline myopathy type 2. Last evaluated: 2019-12-30. Review status: no assertion criteria provided. Collection method: clinical testing. Allele origin: germline. Not counted in ClinVar's aggregate classification.